The following is an entry in ClinVar:

ClinVar aggregate classification (germline): Uncertain significance. Review status: criteria provided, multiple submitters, no conflicts (2 of 4 stars). 5 submissions from 5 submitters: Uncertain significance (4). 1 of the submissions does not count toward it. Last evaluated 2023-11-10.

Conditions:
Muscle eye brain disease (MEB). Also called: Santavuori congenital muscular dystrophy. Identifiers: Orphanet 588, Orphanet 899, MedGen C0457133, MONDO:0018939.
Inborn genetic diseases. Identifiers: MedGen C0950123, MeSH D030342.
Autosomal recessive limb-girdle muscular dystrophy type 2O. Also called: Limb-Girdle Muscular Dystrophy Type 3C; MUSCULAR DYSTROPHY-DYSTROGLYCANOPATHY, LIMB-GIRDLE, POMGNT1-RELATED; MUSCULAR DYSTROPHY-DYSTROGLYCANOPATHY (LIMB-GIRDLE), TYPE C, 3. Identifiers: Orphanet 206564, MedGen C3150417, MONDO:0013161, OMIM 613157.
Muscular dystrophy-dystroglycanopathy (congenital with impaired intellectual development), type B, 3. Also called: Muscular dystrophy-dystroglycanopathy (congenital with intellectual disability), type B3; MUSCULAR DYSTROPHY, CONGENITAL, POMGNT1-RELATED. Identifiers: MedGen C3150412, MONDO:0013155, OMIM 613151.

Allele frequency attached by ClinVar (database versions not stated): TOPMed 0.00001.
gnomAD v4.1: 35 of 1,613,538 alleles (0.0022%); highest among the groups gnomAD compares: Non-Finnish European, 0.0027%; no homozygotes.

Submissions (5):

Blueprint Genetics
Classification: Uncertain significance. Last evaluated: 2023-11-10. Review status: criteria provided, single submitter. Criteria: ACMG Guidelines, 2015. Collection method: clinical testing. Allele origin: germline.

Ambry Genetics
Classification: Uncertain significance for Inborn genetic diseases. Last evaluated: 2022-12-21. Review status: criteria provided, single submitter. Criteria: Ambry Variant Classification Scheme 2023. Collection method: clinical testing. Allele origin: germline.

Labcorp Genetics (formerly Invitae), Labcorp
Classification: Uncertain significance for Autosomal recessive limb-girdle muscular dystrophy type 2O; Muscular dystrophy-dystroglycanopathy (congenital with impaired intellectual development), type B, 3. Last evaluated: 2022-10-18. Review status: criteria provided, single submitter. Criteria: Invitae Variant Classification Sherloc (09022015). Collection method: clinical testing. Allele origin: germline.
Comment: This sequence change replaces isoleucine, which is neutral and non-polar, with phenylalanine, which is neutral and non-polar, at codon 642 of the POMGNT1 protein (p.Ile642Phe). This variant is present in population databases (rs757749808, gnomAD 0.007%). This variant has not been reported in the literature in individuals affected with POMGNT1-related conditions. ClinVar contains an entry for this variant (Variation ID: 586373). Advanced modeling of protein sequence and biophysical properties (such as structural, functional, and spatial information, amino acid conservation, physicochemical variation, residue mobility, and thermodynamic stability) performed at Invitae indicates that this missense variant is not expected to disrupt POMGNT1 protein function. In summary, the available evidence is currently insufficient to determine the role of this variant in disease. Therefore, it has been classified as a Variant of Uncertain Significance.

Athena Diagnostics
Classification: Uncertain significance. Last evaluated: 2018-01-19. Review status: criteria provided, single submitter. Criteria: Athena Diagnostics Criteria. Collection method: clinical testing. Allele origin: germline.

Natera, Inc.
Classification: Uncertain significance for Muscle-eye-brain disease. Last evaluated: 2019-10-28. Review status: no assertion criteria provided. Collection method: clinical testing. Allele origin: germline. Not counted in ClinVar's aggregate classification.

NM_017739.4(POMGNT1):c.1924A>T (p.Ile642Phe)

Genes: POMGNT1 (protein O-linked mannose N-acetylglucosaminyltransferase 1 (beta 1,2-); minus strand), TSPAN1 (tetraspanin 1; plus strand). Cytogenetic location: 1p34.1.
Variant type: single nucleotide variant.
Coding change: c.1924A>T on transcript NM_017739.4 (MANE Select); coding-DNA position 1924, A replaced by T.
Protein change: p.Ile642Phe; replaces isoleucine 642 with phenylalanine.
Molecular consequence: missense variant. On other transcripts: intron variant (1).
Genome position (GRCh38, 1-based): chr1:46,189,329, T>A on the plus strand (A>T on the coding strand, the complement: POMGNT1 is on the minus strand). VCF-style: chr1-46189329-T-A. GRCh37 (hg19) VCF-style: chr1-46655001-T-A.
Other names: c.1898A>T, p.Asn633Ile (NM_001243766.2); c.1858A>T, p.Ile620Phe (NM_001290129.3); c.1495A>T, p.Ile499Phe (NM_001290130.2); c.1895+129A>T (NM_001410783.1); short protein forms I642F, N633I, I499F, I620F.
Identifiers: ClinVar variation 586373 (VCV000586373.8), dbSNP rs757749808, ClinGen allele CA833188.